The following is an entry in ClinVar:

NM_014251.3(SLC25A13):c.787C>T (p.Gln263Ter)

Gene: SLC25A13 (solute carrier family 25 member 13; minus strand). Cytogenetic location: 7q21.3.
Variant type: single nucleotide variant.
Coding change: c.787C>T on transcript NM_014251.3 (MANE Select); coding-DNA position 787, C replaced by T.
Protein change: p.Gln263Ter; replaces glutamine 263 with a stop codon.
Molecular consequence: nonsense. On other transcripts: non-coding transcript variant (1).
Genome position (GRCh38, 1-based): chr7:96,189,642, G>A on the plus strand (C>T on the coding strand, the complement: SLC25A13 is on the minus strand). VCF-style: chr7-96189642-G-A. GRCh37 (hg19) VCF-style: chr7-95818954-G-A.
Other names: c.787C>T, p.Gln263Ter (NM_001160210.2); short protein forms Q263*.
Identifiers: ClinVar variation 3670685 (VCV003670685.2).

ClinVar aggregate classification (germline): Pathogenic (1 of 4 stars; one submission).

Conditions:
Citrin deficiency. Identifiers: Orphanet 247582, MedGen C1997910, MONDO:0016602.

Submission:

Labcorp Genetics (formerly Invitae), Labcorp
Classification: Pathogenic for Citrin deficiency. Last evaluated: 2024-02-16. Review status: criteria provided, single submitter. Criteria: Invitae Variant Classification Sherloc (09022015). Collection method: clinical testing. Allele origin: germline.
Comment: This sequence change creates a premature translational stop signal (p.Gln263*) in the SLC25A13 gene. It is expected to result in an absent or disrupted protein product. Loss-of-function variants in SLC25A13 are known to be pathogenic (PMID: 10369257, 14680984, 27405544). This variant is not present in population databases (gnomAD no frequency). This variant has not been reported in the literature in individuals affected with SLC25A13-related conditions. Algorithms developed to predict the effect of sequence changes on RNA splicing suggest that this variant may disrupt the consensus splice site. For these reasons, this variant has been classified as Pathogenic.

Literature cited by the submitters: PubMed 10369257; PubMed 14680984; PubMed 27405544.